The following is an entry in ClinVar:

NM_007294.4(BRCA1):c.329del (p.Lys110fs)

Gene: BRCA1 (BRCA1 DNA repair associated; minus strand). Cytogenetic location: 17q21.31.
Variant type: Deletion.
Coding change: c.329del on transcript NM_007294.4 (MANE Select); coding-DNA position 329, one base deleted (A; older notation c.329delA).
Protein change: p.Lys110fs; shifts the reading frame from lysine 110.
Molecular consequence: frameshift variant. On other transcripts: non-coding transcript variant (1).
Genome position (GRCh38, 1-based): chr17:43,104,234, T deleted on the plus strand (A on the coding strand, the reverse complement: BRCA1 is on the minus strand); the first of 6 consecutive T bases (chr17:43,104,234-43,104,239); deleting any one gives the same sequence. VCF-style (leftmost placement, unchanged base first): chr17-43104233-CT-C. GRCh37 (hg19) VCF-style: chr17-41256250-CT-C.
Other names: 448delA; c.329delA (NM_007294.3); c.114delA, p.Lys40Argfs (NM_001407571.1, NM_001407853.1, NM_001407879.1 and 58 more transcripts); c.324delA, p.Lys110Argfs (NM_001407581.1, NM_001407582.1, NM_001407583.1 and 163 more transcripts); c.315delA, p.Lys107Argfs (NM_001407646.1, NM_001407647.1, NM_001408408.1); c.246delA, p.Lys84Argfs (NM_001407653.1, NM_001407654.1, NM_001407655.1 and 21 more transcripts); c.183delA, p.Lys63Argfs (NM_001407692.1, NM_001407694.1, NM_001407695.1 and 98 more transcripts); c.-58delA (NM_001407959.1, NM_001407960.1, NM_001407962.1 and 4 more transcripts); and 3 more; short protein forms K63fs, K110fs.
Identifiers: ClinVar variation 37521 (VCV000037521.20), dbSNP rs80357604, ClinGen allele CA002130.

ClinVar aggregate classification (germline): Pathogenic. Review status: reviewed by expert panel (3 of 4 stars). 7 submissions from 7 submitters: Pathogenic (1). 6 of the submissions do not count toward it. Last evaluated 2016-09-08.

Conditions:
Hereditary cancer-predisposing syndrome. Also called: Tumor predisposition; Neoplastic Syndromes, Hereditary; Hereditary Cancer Syndrome; Hereditary neoplastic syndrome. Identifiers: Orphanet 140162, MedGen C0027672, MeSH D009386, MONDO:0015356.
Inherited breast cancer and ovarian cancer.
Hereditary breast ovarian cancer syndrome. Also called: Hereditary breast and ovarian cancer syndrome (HBOC); Hereditary breast and ovarian cancer syndrome; Hereditary breast and ovarian cancer; Hereditary breast and/or ovarian cancer syndrome; Breast and ovarian cancer; BRCA1- and BRCA2-Associated Hereditary Breast and Ovarian Cancer. Identifiers: Orphanet 145, MedGen C0677776, MeSH D061325, MONDO:0003582. Disease mechanism: loss of function.
Breast-ovarian cancer, familial, susceptibility to, 1 (BROVCA1). Also called: OVARIAN CANCER, SUSCEPTIBILITY TO; BRCA1 Hereditary Breast and Ovarian Cancer. Identifiers: Orphanet 145, MedGen C2676676, MONDO:0011450, OMIM 604370. Disease mechanism: loss of function.

Submissions (7):

Evidence-based Network for the Interpretation of Germline Mutant Alleles (ENIGMA)
Classification: Pathogenic for Breast-ovarian cancer, familial, susceptibility to, 1. Last evaluated: 2016-09-08. Review status: reviewed by expert panel. Criteria: ENIGMA BRCA1/2 Classification Criteria (2015). Collection method: curation. Allele origin: germline.
Comment: Variant allele predicted to encode a truncated non-functional protein.

Dasa
Classification: Pathogenic for Breast-ovarian cancer, familial, susceptibility to, 1. Last evaluated: 2025-08-12. Review status: criteria provided, single submitter. Criteria: DASA Assertion Criteria. Collection method: clinical testing. Allele origin: germline. Not counted in ClinVar's aggregate classification.
Comment: NM_007294.4(BRCA1):c.329del (p.Lys110ArgfsTer9) is a frameshift variant in BRCA1 predicted to alter the reading frame and introduce a premature termination codon and is predicted to result in an absent or altered protein product. Loss of function is an established disease mechanism for BRCA1 (PMID: 32375709; PMID: 21989022; PMID: 11802209). The affected residue or protein region has prior evidence supporting clinical relevance. Also, this variant is absent from population databases. Based on the currently available evidence, this variant is classified as pathogenic.

Cambridge Genomics Laboratory, East Genomic Laboratory Hub, NHS Genomic Medicine Service
Classification: Pathogenic for Inherited breast cancer and ovarian cancer. Last evaluated: 2024-08-20. Review status: criteria provided, single submitter. Criteria: ACGS Best Practice Guidelines for Variant Classification in Rare Disease 2020. Collection method: clinical testing. Allele origin: germline. Affected: yes. Not counted in ClinVar's aggregate classification.
Comment: PVS1,PM2,PM5_Strong

Labcorp Genetics (formerly Invitae), Labcorp
Classification: Pathogenic for Hereditary breast ovarian cancer syndrome. Last evaluated: 2021-12-05. Review status: criteria provided, single submitter. Criteria: Invitae Variant Classification Sherloc (09022015). Collection method: clinical testing. Allele origin: germline. Not counted in ClinVar's aggregate classification.
Comment: For these reasons, this variant has been classified as Pathogenic. ClinVar contains an entry for this variant (Variation ID: 37521). This premature translational stop signal has been observed in individual(s) with BRCA1-related conditions (PMID: 21520333). This variant is not present in population databases (gnomAD no frequency). This sequence change creates a premature translational stop signal (p.Lys110Argfs*9) in the BRCA1 gene. It is expected to result in an absent or disrupted protein product. Loss-of-function variants in BRCA1 are known to be pathogenic (PMID: 20104584).

Ambry Genetics
Classification: Pathogenic for Hereditary cancer-predisposing syndrome. Last evaluated: 2018-09-14. Review status: criteria provided, single submitter. Criteria: Ambry Variant Classification Scheme 2023. Collection method: clinical testing. Allele origin: germline. Not counted in ClinVar's aggregate classification.
Comment: The c.329delA variant, located in coding exon 5 of the BRCA1 gene, results from a deletion of one nucleotide at nucleotide position 329, causing a translational frameshift with a predicted alternate stop codon (p.K110Rfs*9). This alteration is expected to result in loss of function by premature protein truncation or nonsense-mediated mRNA decay. As such, this alteration is interpreted as a disease-causing mutation.

Consortium of Investigators of Modifiers of BRCA1/2 (CIMBA), c/o University of Cambridge
Classification: Pathogenic for Breast-ovarian cancer, familial, susceptibility to, 1. Last evaluated: 2015-10-02. Review status: criteria provided, single submitter. Criteria: CIMBA Mutation Classification guidelines May 2016. Collection method: clinical testing. Allele origin: germline. Not counted in ClinVar's aggregate classification.

Sharing Clinical Reports Project (SCRP)
Classification: Pathogenic for Breast-ovarian cancer, familial 1. Last evaluated: 2010-01-12. Review status: no assertion criteria provided. Collection method: clinical testing. Allele origin: germline. Not counted in ClinVar's aggregate classification.

Literature cited by the submitters: PubMed 32375709 (cited by Dasa); PubMed 21989022 (cited by Dasa); PubMed 11802209 (cited by Dasa); PubMed 21520333 (cited by Labcorp Genetics (formerly Invitae), Labcorp); PubMed 20104584 (cited by Labcorp Genetics (formerly Invitae), Labcorp).